The following is an entry in ClinVar:

ClinVar aggregate classification (germline): Uncertain significance (1 of 4 stars; one submission).

Allele frequency attached by ClinVar (database versions not stated): TOPMed below 0.00001; ExAC 0.00001.
gnomAD v4.1: 2 of 1,609,854 alleles (0.00012%); highest among the groups gnomAD compares: Non-Finnish European, 0.00017%; no homozygotes.

Submission:

Labcorp Genetics (formerly Invitae), Labcorp
Classification: Uncertain significance. Last evaluated: 2022-09-09. Review status: criteria provided, single submitter. Criteria: Invitae Variant Classification Sherloc (09022015). Collection method: clinical testing. Allele origin: germline.
Comment: This sequence change replaces alanine, which is neutral and non-polar, with threonine, which is neutral and polar, at codon 641 of the DVL3 protein (p.Ala641Thr). The frequency data for this variant in the population databases is considered unreliable, as metrics indicate poor data quality at this position in the gnomAD database. This missense change has been observed in individual(s) with neural tube defects (PMID: 22892949). Advanced modeling of protein sequence and biophysical properties (such as structural, functional, and spatial information, amino acid conservation, physicochemical variation, residue mobility, and thermodynamic stability) performed at Invitae indicates that this missense variant is not expected to disrupt DVL3 protein function. In summary, the available evidence is currently insufficient to determine the role of this variant in disease. Therefore, it has been classified as a Variant of Uncertain Significance.

Literature cited by the submitters: PubMed 22892949.

NM_004423.4(DVL3):c.1921G>A (p.Ala641Thr)

Gene: DVL3 (dishevelled segment polarity protein 3; plus strand). Cytogenetic location: 3q27.1.
Variant type: single nucleotide variant.
Coding change: c.1921G>A on transcript NM_004423.4 (MANE Select); coding-DNA position 1921, G replaced by A.
Protein change: p.Ala641Thr; replaces alanine 641 with threonine.
Molecular consequence: missense variant.
Genome position (GRCh38, 1-based): chr3:184,170,525, G>A. VCF-style: chr3-184170525-G-A. GRCh37 (hg19) VCF-style: chr3-183888313-G-A.
Other names: short protein forms A641T.
Identifiers: ClinVar variation 1961493 (VCV001961493.5), dbSNP rs752513163, ClinGen allele CA2727547.
Genomic context (GRCh38, chr3:184,170,525, plus strand): 5'-CCCAGCGAGCGCTCAGGGCCGGCGGCCAGCGAGCACAGCCACCGCAGCCACCATTCCCTG[G>A]CCAGCAGCCTTCGCAGCCACCACACACACCCGAGCTACGGTCCTCCCGGAGTGCCCCCTC-3'
Protein context (NP_004414.3, residues 631-651): EHSHRSHHSL[Ala641Thr]SSLRSHHTHP